The following is an entry in ClinVar:

ClinVar aggregate classification (germline): Benign/Likely benign. Review status: criteria provided, multiple submitters, no conflicts (2 of 4 stars). 5 submissions from 5 submitters: Benign (1); Likely benign (4). Last evaluated 2026-01-22.

Allele frequency attached by ClinVar (database versions not stated): 1000 Genomes Project 30x 0.00078; 1000 Genomes Project 0.00100; ESP Exome Variant Server 0.00208; ExAC 0.00233; gnomAD exomes 0.00268 and 0.00366; gnomAD 0.00296 and 0.00331; TOPMed 0.00383.
gnomAD v4.1: 5,842 of 1,613,588 alleles (0.36%); highest among the groups gnomAD compares: Non-Finnish European, 0.41%; 22 homozygotes.

Submissions (5):

Labcorp Genetics (formerly Invitae), Labcorp
Classification: Benign. Last evaluated: 2026-01-22. Review status: criteria provided, single submitter. Criteria: Invitae Variant Classification Sherloc (09022015). Collection method: clinical testing. Allele origin: germline.

Mayo Clinic Laboratories, Mayo Clinic
Classification: Likely benign. Last evaluated: 2025-08-26. Review status: criteria provided, single submitter. Criteria: ACMG Guidelines, 2015. Collection method: clinical testing. Allele origin: germline. Observed: 2 variant alleles.
Comment: BS1, BP4

CeGaT Center for Human Genetics Tuebingen
Classification: Likely benign. Last evaluated: 2023-11-01. Review status: criteria provided, single submitter. Criteria: CeGaT Center For Human Genetics Tuebingen Variant Classification Criteria Version 2. Collection method: clinical testing. Allele origin: germline. Affected: yes. Observed: 1 variant allele.
Comment: SLC27A5: BP4, BS2

Eurofins Ntd Llc (ga)
Classification: Likely benign. Last evaluated: 2017-03-14. Review status: criteria provided, single submitter. Criteria: EGL Classification Definitions 2015. Collection method: clinical testing. Allele origin: germline. Observed: 9 variant alleles, 9 heterozygotes.

Breakthrough Genomics
Classification: Likely benign. Review status: criteria provided, single submitter. Criteria: ACMG Guidelines, 2015. Collection method: not provided. Allele origin: germline. Inheritance: Unknown mechanism. Affected: yes.

NM_012254.3(SLC27A5):c.1160G>A (p.Arg387Gln)

Gene: SLC27A5 (solute carrier family 27 member 5; minus strand). Cytogenetic location: 19q13.43.
Variant type: single nucleotide variant.
Coding change: c.1160G>A on transcript NM_012254.3 (MANE Select); coding-DNA position 1160, G replaced by A.
Protein change: p.Arg387Gln; replaces arginine 387 with glutamine.
Molecular consequence: missense variant.
Genome position (GRCh38, 1-based): chr19:58,501,308, C>T on the plus strand (G>A on the coding strand, the complement: SLC27A5 is on the minus strand). VCF-style: chr19-58501308-C-T. GRCh37 (hg19) VCF-style: chr19-59012675-C-T.
Other names: p.Arg387Gln; c.908G>A, p.Arg303Gln (NM_001321196.2); short protein forms R387Q, R303Q.
Identifiers: ClinVar variation 281887 (VCV000281887.38), dbSNP rs142672241, ClinGen allele CA9718093.
Genomic context (GRCh38, chr19:58,501,308, plus strand): 5'-TGGGTGTTCACCATGGAGCCCTAATCTTAGAGCCTCACCTGGGGAATGTTACACAAGTAC[C>T]GCAGGAGCTCGCCCACATACAGGATCACTGTCACGCCATGCTGCCGACAGTCATCCCAGA-3'
Protein context (NP_036386.1, residues 377-397): TVILYVGELL[Arg387Gln]YLCNIPQQPE